The following is an entry in ClinVar:

NM_024809.5(TCTN2):c.891+5T>G

Gene: TCTN2 (tectonic family member 2; plus strand). Cytogenetic location: 12q24.31.
Variant type: single nucleotide variant.
Coding change: c.891+5T>G on transcript NM_024809.5 (MANE Select); 5 bases into the intron after coding-DNA position 891, T replaced by G.
Molecular consequence: intron variant.
Genome position (GRCh38, 1-based): chr12:123,688,182, T>G. VCF-style: chr12-123688182-T-G. GRCh37 (hg19) VCF-style: chr12-124172729-T-G.
Other names: c.888+5T>G (NM_001143850.3).
Identifiers: ClinVar variation 1480762 (VCV001480762.6), dbSNP rs2135836443, ClinGen allele CA2573148059.

ClinVar aggregate classification (germline): Uncertain significance (1 of 4 stars; one submission).

Conditions:
Meckel-Gruber syndrome. Also called: DYSENCEPHALIA SPLANCHNOCYSTICA; GRUBER SYNDROME; Dysencephalia splachnocystica. Identifiers: Orphanet 564, MedGen C0265215, MONDO:0018921.
Joubert syndrome. Also called: CEREBELLOPARENCHYMAL DISORDER IV; JOUBERT-BOLTSHAUSER SYNDROME; Familial aplasia of the vermis. Identifiers: Orphanet 475, MedGen C5979921, MONDO:0018772.

Submission:

Labcorp Genetics (formerly Invitae), Labcorp
Classification: Uncertain significance for Joubert syndrome; Meckel-Gruber syndrome. Last evaluated: 2022-03-04. Review status: criteria provided, single submitter. Criteria: Invitae Variant Classification Sherloc (09022015). Collection method: clinical testing. Allele origin: germline.
Comment: This sequence change falls in intron 7 of the TCTN2 gene. It does not directly change the encoded amino acid sequence of the TCTN2 protein. It affects a nucleotide within the consensus splice site. This variant is not present in population databases (gnomAD no frequency). This variant has not been reported in the literature in individuals affected with TCTN2-related conditions. Variants that disrupt the consensus splice site are a relatively common cause of aberrant splicing (PMID: 17576681, 9536098). Algorithms developed to predict the effect of sequence changes on RNA splicing suggest that this variant is not likely to affect RNA splicing. In summary, the available evidence is currently insufficient to determine the role of this variant in disease. Therefore, it has been classified as a Variant of Uncertain Significance.

Literature cited by the submitters: PubMed 17576681; PubMed 9536098.